The following is an entry in ClinVar:

ClinVar aggregate classification (germline): Uncertain significance (1 of 4 stars; one submission).

Conditions:
Neurodevelopmental disorder with progressive microcephaly, spasticity, and brain anomalies. Identifiers: Orphanet 521426, MedGen C4479631, MONDO:0060502, OMIM 617527.

Submission:

Baylor Genetics
Classification: Uncertain significance for Neurodevelopmental disorder with progressive microcephaly, spasticity, and brain anomalies. Last evaluated: 2018-07-13. Review status: criteria provided, single submitter. Criteria: ACMG Guidelines, 2015. Collection method: clinical testing. Allele origin: unknown. Affected: yes.
Comment: This variant was determined to be of uncertain significance according to ACMG Guidelines, 2015 [PMID:25741868].

NM_001031689.3(PLAA):c.-16C>T

Gene: PLAA (phospholipase A2 activating protein; minus strand). Cytogenetic location: 9p21.2.
Variant type: single nucleotide variant.
Coding change: c.-16C>T on transcript NM_001031689.3 (MANE Select); 16 bases upstream of the start codon, C replaced by T.
Molecular consequence: 5 prime UTR variant.
Genome position (GRCh38, 1-based): chr9:26,947,061, G>A on the plus strand (C>T on the coding strand, the complement: PLAA is on the minus strand). VCF-style: chr9-26947061-G-A. GRCh37 (hg19) VCF-style: chr9-26947059-G-A.
Other names: c.-16C>T (NM_001321546.2).
Identifiers: ClinVar variation 1033218 (VCV001033218.1), dbSNP rs1825754982, ClinGen allele CA1841882687.